The following is an entry in ClinVar:

ClinVar aggregate classification (germline): Uncertain significance (1 of 4 stars; one submission).

Submission:

Labcorp Genetics (formerly Invitae), Labcorp
Classification: Uncertain significance. Last evaluated: 2024-11-03. Review status: criteria provided, single submitter. Criteria: Invitae Variant Classification Sherloc (09022015). Collection method: clinical testing. Allele origin: germline.
Comment: This sequence change replaces serine, which is neutral and polar, with asparagine, which is neutral and polar, at codon 264 of the ALPK3 protein (p.Ser264Asn). This variant is not present in population databases (gnomAD no frequency). This variant has not been reported in the literature in individuals affected with ALPK3-related conditions. An algorithm developed to predict the effect of missense changes on protein structure and function (PolyPhen-2) suggests that this variant is likely to be disruptive. In summary, the available evidence is currently insufficient to determine the role of this variant in disease. Therefore, it has been classified as a Variant of Uncertain Significance.

NM_020778.5(ALPK3):c.185G>A (p.Ser62Asn)

Gene: ALPK3 (alpha kinase 3; plus strand). Cytogenetic location: 15q25.3.
Variant type: single nucleotide variant.
Coding change: c.185G>A on transcript NM_020778.5 (MANE Select); coding-DNA position 185, G replaced by A.
Protein change: p.Ser62Asn; replaces serine 62 with asparagine.
Molecular consequence: missense variant.
Genome position (GRCh38, 1-based): chr15:84,827,486, G>A. VCF-style: chr15-84827486-G-A. GRCh37 (hg19) VCF-style: chr15-85370717-G-A.
Other names: short protein forms S62N.
Identifiers: ClinVar variation 3631987 (VCV003631987.2).